The following is an entry in ClinVar:

ClinVar aggregate classification (germline): Likely pathogenic (1 of 4 stars; one submission).

Conditions:
Dilated cardiomyopathy 1G (CMD1G). Identifiers: Orphanet 154, MedGen C1858763, MONDO:0011400, OMIM 604145.
Autosomal recessive limb-girdle muscular dystrophy type 2J (LGMDR10). Also called: Limb-girdle muscular dystrophy, type 2J; MUSCULAR DYSTROPHY, LIMB-GIRDLE, AUTOSOMAL RECESSIVE 10. Identifiers: Orphanet 140922, MedGen C1837342, MONDO:0012127, OMIM 608807.

Submission:

Labcorp Genetics (formerly Invitae), Labcorp
Classification: Likely pathogenic for Dilated cardiomyopathy 1G; Limb-girdle muscular dystrophy, type 2J. Last evaluated: 2019-02-20. Review status: criteria provided, single submitter. Criteria: Invitae Variant Classification Sherloc (09022015). Collection method: clinical testing. Allele origin: germline.
Comment: This sequence change affects a donor splice site in intron 294 of the TTN gene. It is expected to disrupt RNA splicing and likely results in an absent or disrupted protein product. While this is not anticipated to result in nonsense mediated decay, it is expected to create a truncated TTN protein. This variant is not present in population databases (ExAC no frequency). This variant has not been reported in the literature in individuals with TTN-related conditions. This variant is located in the A band of TTN (PMID: 25589632). Truncating variants in this region are significantly overrepresented in patients affected with dilated cardiomyopathy (PMID: 25589632). Truncating variants in this region have also been reported in individuals affected with autosomal recessive centronuclear myopathy (PMID: 23975875). In summary, the currently available evidence indicates that the variant is pathogenic, but additional data are needed to prove that conclusively. Therefore, this variant has been classified as Likely Pathogenic.

Literature cited by the submitters: PubMed 23975875; PubMed 25589632.

NM_001267550.2(TTN):c.57544+1G>A

Genes: TTN-AS1 (TTN antisense RNA 1; plus strand), TTN (titin; minus strand). Cytogenetic location: 2q31.2.
Variant type: single nucleotide variant.
Coding change: c.57544+1G>A on transcript NM_001267550.2 (MANE Select); the canonical splice donor site of the intron after coding-DNA position 57544, G replaced by A.
Molecular consequence: splice donor variant.
Genome position (GRCh38, 1-based): chr2:178,597,537, C>T on the plus strand (G>A on the coding strand, the complement: TTN is on the minus strand). VCF-style: chr2-178597537-C-T. GRCh37 (hg19) VCF-style: chr2-179462264-C-T.
Other names: c.30349+1G>A (NM_003319.4); c.30925+1G>A (NM_133437.4); c.30724+1G>A (NM_133432.3); c.49840+1G>A (NM_133378.4); c.52621+1G>A (NM_001256850.1).
Identifiers: ClinVar variation 844812 (VCV000844812.1), dbSNP rs2052045274, ClinGen allele CA349519449.
Genomic context (GRCh38, chr2:178,597,537, plus strand): 5'-TGTGTAAATATAATAAGAATGTTGGTTTAAAAAGTTGCACAGACAAATTGAAAGTATTTA[C>T]CTAATACATCAACAATAATTGTCTTCTTTCTTTCTCCGGCTTCATTTTTGGCAAGAAGAG-3'